The following is an entry in ClinVar:

NM_000218.3(KCNQ1):c.1514+8513C>A

Genes: KCNQ1 (potassium voltage-gated channel subfamily Q member 1; plus strand), KCNQ1OT1 (KCNQ1 opposite strand/antisense transcript 1; minus strand). Cytogenetic location: 11p15.5.
Variant type: single nucleotide variant.
Coding change: c.1514+8513C>A on transcript NM_000218.3 (MANE Select); 8513 bases into the intron after coding-DNA position 1514, C replaced by A.
Molecular consequence: intron variant. On other transcripts: non-coding transcript variant (1).
Genome position (GRCh38, 1-based): chr11:2,670,594, C>A. VCF-style: chr11-2670594-C-A. GRCh37 (hg19) VCF-style: chr11-2691824-C-A.
Other names: c.1244+8513C>A (NM_001406837.1); c.1418+8513C>A (NM_001406836.1); c.974+8513C>A (NM_001406838.1); c.1133+8513C>A (NM_181798.2).
Identifiers: ClinVar variation 2672449 (VCV002672449.23), dbSNP rs2283184, ClinGen allele CA216177648.

ClinVar aggregate classification (germline): Benign (1 of 4 stars; one submission).

Allele frequency attached by ClinVar (database versions not stated): 1000 Genomes Project 30x 0.00016.
gnomAD v4.1: 72 of 398,262 alleles (0.018%); highest among the groups gnomAD compares: Admixed American, 0.079%; no homozygotes.

Submission:

CeGaT Center for Human Genetics Tuebingen
Classification: Benign. Last evaluated: 2023-11-01. Review status: criteria provided, single submitter. Criteria: CeGaT Center For Human Genetics Tuebingen Variant Classification Criteria Version 2. Collection method: clinical testing. Allele origin: germline. Affected: yes. Observed: 1 variant allele.
Comment: KCNQ1OT1: BS1, BS2